The following is an entry in ClinVar:

NM_023110.3(FGFR1):c.359A>T (p.Asp120Val)

Gene: FGFR1 (fibroblast growth factor receptor 1; minus strand). Cytogenetic location: 8p11.23.
Variant type: single nucleotide variant.
Coding change: c.359A>T on transcript NM_023110.3 (MANE Select); coding-DNA position 359, A replaced by T.
Protein change: p.Asp120Val; replaces aspartic acid 120 with valine.
Molecular consequence: missense variant.
Genome position (GRCh38, 1-based): chr8:38,428,435, T>A on the plus strand (A>T on the coding strand, the complement: FGFR1 is on the minus strand). VCF-style: chr8-38428435-T-A. GRCh37 (hg19) VCF-style: chr8-38285953-T-A.
Other names: c.359A>T, p.Asp120Val (NM_001174063.2, NM_001174065.2, NM_001354367.2 and 3 more transcripts); c.335A>T, p.Asp112Val (NM_001174064.2); c.92A>T, p.Asp31Val (NM_001174066.2, NM_001354368.2, NM_001354370.2 and 2 more transcripts); c.458A>T, p.Asp153Val (NM_001174067.2); short protein forms D112V, D120V, D153V, D31V.
Identifiers: ClinVar variation 3368676 (VCV003368676.1).

ClinVar aggregate classification (germline): Uncertain significance (1 of 4 stars; one submission).

gnomAD v4.1: 1 of 1,611,178 alleles (0.000062%); highest among the groups gnomAD compares: Non-Finnish European, 0.000085%; no homozygotes.

Submission:

GeneDx
Classification: Uncertain significance. Last evaluated: 2024-02-01. Review status: criteria provided, single submitter. Criteria: GeneDx Variant Classification Process June 2021. Collection method: clinical testing. Allele origin: germline. Affected: yes.
Comment: Not observed at significant frequency in large population cohorts (gnomAD); In silico analysis supports that this missense variant has a deleterious effect on protein structure/function; Has not been previously published as pathogenic or benign to our knowledge